The following is an entry in ClinVar:

ClinVar aggregate classification (germline): Uncertain significance (1 of 4 stars; one submission).

Allele frequency attached by ClinVar (database versions not stated): gnomAD 0.00002; TOPMed 0.00002.
gnomAD v4.1: 34 of 1,612,502 alleles (0.0021%); highest among the groups gnomAD compares: Middle Eastern, 0.016%; no homozygotes.

Submission:

Labcorp Genetics (formerly Invitae), Labcorp
Classification: Uncertain significance. Last evaluated: 2025-11-03. Review status: criteria provided, single submitter. Criteria: Invitae Variant Classification Sherloc (09022015). Collection method: clinical testing. Allele origin: germline.
Comment: This sequence change replaces valine, which is neutral and non-polar, with methionine, which is neutral and non-polar, at codon 50 of the SLC6A19 protein (p.Val50Met). This variant is present in population databases (rs745526472, gnomAD 0.005%). This variant has not been reported in the literature in individuals affected with SLC6A19-related conditions. ClinVar contains an entry for this variant (Variation ID: 2190672). Invitae Evidence Modeling of protein sequence and biophysical properties (such as structural, functional, and spatial information, amino acid conservation, physicochemical variation, residue mobility, and thermodynamic stability) has been performed for this missense variant. However, the output from this modeling did not meet the statistical confidence thresholds required to predict the impact of this variant on SLC6A19 protein function. In summary, the available evidence is currently insufficient to determine the role of this variant in disease. Therefore, it has been classified as a Variant of Uncertain Significance.

NM_001003841.3(SLC6A19):c.148G>A (p.Val50Met)

Gene: SLC6A19 (solute carrier family 6 member 19; plus strand). Cytogenetic location: 5p15.33.
Variant type: single nucleotide variant.
Coding change: c.148G>A on transcript NM_001003841.3 (MANE Select); coding-DNA position 148, G replaced by A.
Protein change: p.Val50Met; replaces valine 50 with methionine.
Molecular consequence: missense variant.
Genome position (GRCh38, 1-based): chr5:1,201,798, G>A. VCF-style: chr5-1201798-G-A. GRCh37 (hg19) VCF-style: chr5-1201913-G-A.
Other names: short protein forms V50M.
Identifiers: ClinVar variation 2190672 (VCV002190672.4), dbSNP rs745526472, ClinGen allele CA3182575.